The following is an entry in ClinVar:

NM_001876.4(CPT1A):c.367C>T (p.Arg123Cys)

Gene: CPT1A (carnitine palmitoyltransferase 1A; minus strand). Cytogenetic location: 11q13.3.
Variant type: single nucleotide variant.
Coding change: c.367C>T on transcript NM_001876.4 (MANE Select); coding-DNA position 367, C replaced by T.
Protein change: p.Arg123Cys; replaces arginine 123 with cysteine.
Molecular consequence: missense variant.
Genome position (GRCh38, 1-based): chr11:68,807,553, G>A on the plus strand (C>T on the coding strand, the complement: CPT1A is on the minus strand). VCF-style: chr11-68807553-G-A. GRCh37 (hg19) VCF-style: chr11-68575021-G-A.
Other names: c.367C>T, p.Arg123Cys (NM_001031847.3); short protein forms R123C.
Identifiers: ClinVar variation 65653 (VCV000065653.12), dbSNP rs80356775, ClinGen allele CA221862.
Genomic context (GRCh38, chr11:68,807,553, plus strand): 5'-TCTTGCCGTGCTCAGTGAACATCCACCCGTGGTAGGAGAGCAGCACTTTCAGGGAGTAGC[G>A]CATGGTGACGATGAGGGCCACCCACAGGCCGGTGCCAAACAGCACGCCGCTGACCACGTT-3'
Protein context (NP_001867.2, residues 113-133): GLWVALIVTM[Arg123Cys]YSLKVLLSYH

ClinVar aggregate classification (germline): Conflicting classifications of pathogenicity. Review status: criteria provided, conflicting classifications (1 of 4 stars). 7 submissions from 7 submitters: Likely pathogenic (4); Uncertain significance (2). 1 of the submissions does not count toward it. Last evaluated 2026-06-20.

Conditions:
Carnitine palmitoyl transferase 1A deficiency. Also called: Carnitine palmitoyltransferase type I deficiency; CPT deficiency, hepatic, type IA; Carnitine palmitoyltransferase 1A deficiency; CPT I DEFICIENCY; CPT DEFICIENCY, HEPATIC, TYPE I. Identifiers: Orphanet 156, MedGen C1829703, MONDO:0009705, OMIM 255120.

Allele frequency attached by ClinVar (database versions not stated): gnomAD exomes below 0.00001 and 0.00001; gnomAD 0.00001; TOPMed 0.00003; ExAC 0.00001.
gnomAD v4.1: 7 of 1,613,998 alleles (0.00043%); highest among the groups gnomAD compares: East Asian, 0.0022%; no homozygotes.

Submissions (7):

Myriad Genetics, Inc.
Classification: Uncertain significance for Carnitine palmitoyl transferase 1A deficiency. Last evaluated: 2026-06-20. Review status: criteria provided, single submitter. Criteria: Myriad Autosomal Dominant, Autosomal Recessive and X-Linked Classification Criteria (2023). Collection method: clinical testing. Allele origin: unknown.
Comment: NM_001876.3(CPT1A):c.367C>T(R123C) is a missense variant classified as a variant of uncertain significance in the context of carnitine palmitoyltransferase IA deficiency. R123C has been observed in a case with relevant disease (PMID: 11441142). Relevant functional assessments of this variant are available in the literature (PMID: 11441142). R123C has been observed in referenced population frequency databases. In summary, there is insufficient evidence to classify NM_001876.3(CPT1A):c.367C>T(R123C) as pathogenic or benign. Please note: this variant was assessed in the context of healthy population screening.

Labcorp Genetics (formerly Invitae), Labcorp
Classification: Likely pathogenic for Carnitine palmitoyl transferase 1A deficiency. Last evaluated: 2025-08-15. Review status: criteria provided, single submitter. Criteria: Invitae Variant Classification Sherloc (09022015). Collection method: clinical testing. Allele origin: germline.
Comment: This sequence change replaces arginine, which is basic and polar, with cysteine, which is neutral and slightly polar, at codon 123 of the CPT1A protein (p.Arg123Cys). This variant is present in population databases (rs80356775, gnomAD 0.0009%). This missense change has been observed in individual(s) with carnitine palmitoyltransferase 1A deficiency (PMID: 11441142). ClinVar contains an entry for this variant (Variation ID: 65653). Invitae Evidence Modeling of protein sequence and biophysical properties (such as structural, functional, and spatial information, amino acid conservation, physicochemical variation, residue mobility, and thermodynamic stability) has been performed for this missense variant. However, the output from this modeling did not meet the statistical confidence thresholds required to predict the impact of this variant on CPT1A protein function. Experimental studies have shown that this missense change affects CPT1A function (PMID: 11441142). In summary, the currently available evidence indicates that the variant is pathogenic, but additional data are needed to prove that conclusively. Therefore, this variant has been classified as Likely Pathogenic.

Natera, Inc.
Classification: Likely pathogenic for Carnitine palmitoyltransferase type I deficiency. Last evaluated: 2025-07-28. Review status: criteria provided, single submitter. Criteria: Natera Variant Classification Schema (03/2026). Collection method: clinical testing. Allele origin: germline.
Comment: The c.367C>T variant in CPT1A is a missense variant predicted to cause substitution of arginine to cysteine at amino acid 123. This variant is rare in the general population with a frequency below the threshold expected for the associated phenotype(s). This variant has been observed in one or more individuals affected with the associated recessive disease, as either homozygous or compound heterozygous with a second variant (PMID: 11441142). Functional studies show that this variant may disrupt protein function (PMID: 11441142). Computational prediction algorithms indicate this variant is likely to affect gene or protein function. Given the available evidence, this variant is classified as Likely Pathogenic.

Fulgent Genetics
Classification: Likely pathogenic for Carnitine palmitoyl transferase 1A deficiency. Last evaluated: 2024-04-10. Review status: criteria provided, single submitter. Criteria: ACMG Guidelines, 2015. Collection method: clinical testing. Allele origin: germline.

Women's Health and Genetics/Laboratory Corporation of America, LabCorp
Classification: Likely pathogenic for Carnitine palmitoyl transferase 1A deficiency. Last evaluated: 2024-04-05. Review status: criteria provided, single submitter. Criteria: LabCorp Variant Classification Summary - May 2015. Collection method: clinical testing. Allele origin: germline.
Comment: Variant summary: CPT1A c.367C>T (p.Arg123Cys) results in a non-conservative amino acid change in the encoded protein sequence. Five of five in-silico tools predict a damaging effect of the variant on protein function. The variant allele was found at a frequency of 8e-06 in 251302 control chromosomes (gnomAD). c.367C>T has been reported in the literature in a homozygous individual affected with Carnitine Palmitoyltransferase I Deficiency (Brown_2001). These data indicate that the variant may be associated with disease. This publication reports experimental evidence evaluating an impact on protein function. Fibroblasts from the patient had L-CPT I activity ~9% of control cells, while COS cells transfected with the variant showed ~72% of normal activity. The exogenously expressed variant protein had an aberrant molecular weight, suggesting that processing defects and degradation in vivo may explain this discrepancy. The following publication have been ascertained in the context of this evaluation (PMID: 11441142). ClinVar contains an entry for this variant (Variation ID: 65653). Based on the evidence outlined above, the variant was classified as likely pathogenic.

Eurofins Ntd Llc (ga)
Classification: Uncertain significance. Last evaluated: 2012-08-13. Review status: criteria provided, single submitter. Criteria: EGL Classification Definitions 2015. Collection method: clinical testing. Allele origin: germline. Observed: 1 variant allele, 1 heterozygote.

GeneReviews
No classification provided. Condition: Carnitine palmitoyl transferase 1A deficiency. Review status: no classification provided. Collection method: literature only. Allele origin: germline. Not counted in ClinVar's aggregate classification.

Literature cited by the submitters: PubMed 11441142 (cited by 4 submitters); NCBI Bookshelf NBK1527 (cited by GeneReviews).